The following is an entry in ClinVar:

NM_000306.4(POU1F1):c.7del (p.Cys3fs)

Gene: POU1F1 (POU class 1 homeobox 1; minus strand). Cytogenetic location: 3p11.2.
Variant type: Deletion.
Coding change: c.7del on transcript NM_000306.4 (MANE Select); coding-DNA position 7, one base deleted (T; older notation c.7delT).
Protein change: p.Cys3fs; shifts the reading frame from cysteine 3.
Molecular consequence: frameshift variant.
Genome position (GRCh38, 1-based): chr3:87,276,456, A deleted on the plus strand (T on the coding strand, the reverse complement: POU1F1 is on the minus strand); the first of 2 consecutive A bases (chr3:87,276,456-87,276,457); deleting either gives the same sequence. VCF-style (leftmost placement, unchanged base first): chr3-87276455-CA-C. GRCh37 (hg19) VCF-style: chr3-87325605-CA-C.
Other names: c.7del, p.Cys3fs (NM_001122757.3); short protein forms C3fs.
Identifiers: ClinVar variation 2767156 (VCV002767156.3), dbSNP rs2471807594, ClinGen allele CA2697556775.
Genomic context (GRCh38, chr3:87,276,455, plus strand): 5'-AGAGTTGCAGAGGCGTCAGAATTCAGAGGTATAAAGGTATCAGCCGAAGTAAAAGCTTGG[CA>C]ACTCATTCCCACAAGAGAGTAGAAAAATAAGGAGAACCGCTGCTCCCCAAATCAGAGTTT-3'

ClinVar aggregate classification (germline): Pathogenic (1 of 4 stars; one submission).

Submission:

Labcorp Genetics (formerly Invitae), Labcorp
Classification: Pathogenic. Last evaluated: 2023-10-09. Review status: criteria provided, single submitter. Criteria: Invitae Variant Classification Sherloc (09022015). Collection method: clinical testing. Allele origin: germline.
Comment: This sequence change creates a premature translational stop signal (p.Cys3Alafs*13) in the POU1F1 gene. It is expected to result in an absent or disrupted protein product. Loss-of-function variants in POU1F1 are known to be pathogenic (PMID: 1472057, 9392392, 15844473, 15928241). This variant is not present in population databases (gnomAD no frequency). This variant has not been reported in the literature in individuals affected with POU1F1-related conditions. For these reasons, this variant has been classified as Pathogenic.

Literature cited by the submitters: PubMed 1472057; PubMed 9392392; PubMed 15844473; PubMed 15928241.